The following is an entry in ClinVar:

NM_014956.5(CEP164):c.1193C>T (p.Ser398Leu)

Gene: CEP164 (centrosomal protein 164; plus strand). Cytogenetic location: 11q23.3.
Variant type: single nucleotide variant.
Coding change: c.1193C>T on transcript NM_014956.5 (MANE Select); coding-DNA position 1193, C replaced by T.
Protein change: p.Ser398Leu; replaces serine 398 with leucine.
Molecular consequence: missense variant. On other transcripts: intron variant (1).
Genome position (GRCh38, 1-based): chr11:117,373,791, C>T. VCF-style: chr11-117373791-C-T. GRCh37 (hg19) VCF-style: chr11-117244507-C-T.
Other names: c.1193C>T, p.Ser398Leu (NM_001271933.2, NM_001440949.1, NM_001440950.1 and 16 more transcripts); c.1115C>T, p.Ser372Leu (NM_001440952.1, NM_001440954.1, NM_001440955.1 and 16 more transcripts); c.1055C>T, p.Ser352Leu (NM_001440960.1); c.1075-1917C>T (NM_001440972.1); short protein forms S352L, S372L, S398L.
Identifiers: ClinVar variation 5002610 (VCV005002610.1).

ClinVar aggregate classification (germline): Uncertain significance (1 of 4 stars; one submission).

Conditions:
CEP164-related disorder. Also called: CEP164-related condition.

gnomAD v4.1: 4 of 1,614,084 alleles (0.00025%); highest among the groups gnomAD compares: Non-Finnish European, 0.00034%; no homozygotes.

Submission:

PreventionGenetics, part of Exact Sciences
Classification: Uncertain significance for CEP164-related condition. Last evaluated: 2025-04-19. Review status: criteria provided, single submitter. Criteria: ACMG Guidelines, 2015. Collection method: clinical testing. Allele origin: germline.
Comment: The CEP164 c.1193C>T variant is predicted to result in the amino acid substitution p.Ser398Leu. To our knowledge, this variant has not been reported in the literature. This variant is reported in 0.0065% of alleles in individuals of European (Non-Finnish) descent in gnomAD. At this time, the clinical significance of this variant is uncertain due to the absence of conclusive functional and genetic evidence.